The following is an entry in ClinVar:

ClinVar aggregate classification (germline): Likely pathogenic. Review status: reviewed by expert panel (3 of 4 stars). 15 submissions from 15 submitters: Likely pathogenic (1). 14 of the submissions do not count toward it. Last evaluated 2026-02-19.

Conditions:
Rare genetic deafness. Identifiers: Orphanet 96210, MedGen C5680250.
Glycogen storage disease, type II (IOPD). Also called: GLYCOGENOSIS, GENERALIZED, CARDIAC FORM; GSD II; Glycogen storage disease type 2; Acid maltase deficiency disease; Aglucosidase alfa; Deficiency of alpha-glucosidase. Identifiers: Orphanet 365, MedGen C0017921, MONDO:0009290, OMIM 232300.

gnomAD v4.1: 19 of 1,612,230 alleles (0.0012%); highest among the groups gnomAD compares: African/African-American, 0.008%; no homozygotes.

Submissions 1 to 9 of 15:

ClinGen Lysosomal Storage Disorder Variant Curation Expert Panel
Classification: Likely pathogenic for Glycogen storage disease, type II. Last evaluated: 2026-02-19. Review status: reviewed by expert panel. Criteria: clingen_lsd_acmg_specifications_v2-1. Collection method: curation. Allele origin: germline. Inheritance: Autosomal recessive inheritance.
Comment: The NM_000152.5:c.1841C>T variant in GAA is a missense variant predicted to cause substitution of threonine by methionine at amino acid 614 (p.Thr614Met). This variant has been reported in at least 5 probands. At least 3 probands with this variant were reported with documented GAA deficiency <10% of normal mean control level of GAA activity in leukocytes (PMID: 33741225, 40639956) (PP4_Moderate). One patient was compound heterozygous for the variant and another variant in GAA that has been classified as pathogenic by the ClinGen LD VCEP, c.246C>A (p.Cys82Ter); phase unknown (0.5 points; PMID: 33741225). At least 4 probands were homozygous for the variant (max 2 x 0.5 points, PMID: 33301762, 33741225, 33250842, 4063995, 41111870 (PM3). The highest population minor allele frequency in gnomAD v4.1.0. is 0.00008 (6/74920 alleles) in the African/African-American population, which is lower than the ClinGen LD VCEP’s threshold for PM2_Supporting (<0.001), meeting this criterion (PM2_Supporting). To our knowledge, the results of functional assays have not been reported for this variant. The computational predictor REVEL gives a score of 0.769 which is above the threshold of 0.7, evidence that correlates with impact to GAA function (PP3). Another missense variant, c.1841C>A (p.Thr614Lys) (ClinVar Variation ID: 167113), in the same codon has been classified as pathogenic for Pompe disease by the ClinGen LD VCEP (PM5). Splicing prediction using Splice AI revealed no expected effects on splicing due to either of these variants. There is a ClinVar entry for this variant (Variation ID: 286469). In summary, this variant meets the criteria to be classified as likely pathogenic for Pompe disease based on the GAA-specific ACMG/AMP criteria applied, as specified by the ClinGen Lysosomal Diseases Variant Curation Expert Panel (Specifications Version 2.0): PP4_Moderate, PM3, PM5, PP3, PM2_Supporting (Classification approved by the ClinGen Lysosomal Diseases Variant Curation Expert Panel on February 19, 2026)

Genomenon, Inc
Classification: Likely pathogenic for Glycogen storage disease, type II. Last evaluated: 2026-07-01. Review status: criteria provided, single submitter. Criteria: Genomenon Sequence Variant Interpretation Standards - Updated. Collection method: curation. Allele origin: germline. Affected: yes. Not counted in ClinVar's aggregate classification.
Comment: GAA p.Thr614Met (c.1841C>T) is a missense variant that changes the amino acid at codon 614 from Threonine to Methionine. This variant has been observed in at least one proband with a GAA-related disorder in the compound heterozygous and/or homozygous state (PMID:33741225;33250842;38444573). It is absent or not present at a significant frequency in gnomAD. In silico models predict that this variant is possibly or probably damaging. In conclusion, we classify GAA p.Thr614Met (c.1841C>T) as a likely pathogenic variant.

Labcorp Genetics (formerly Invitae), Labcorp
Classification: Pathogenic for Glycogen storage disease, type II. Last evaluated: 2026-01-11. Review status: criteria provided, single submitter. Criteria: Invitae Variant Classification Sherloc (09022015). Collection method: clinical testing. Allele origin: germline. Not counted in ClinVar's aggregate classification.
Comment: This sequence change replaces threonine, which is neutral and polar, with methionine, which is neutral and non-polar, at codon 614 of the GAA protein (p.Thr614Met). This variant is present in population databases (rs369531647, gnomAD 0.003%). This missense change has been observed in individuals with late onset Pompe disease (PMID: 33250842, 33741225). ClinVar contains an entry for this variant (Variation ID: 286469). Invitae Evidence Modeling of protein sequence and biophysical properties (such as structural, functional, and spatial information, amino acid conservation, physicochemical variation, residue mobility, and thermodynamic stability) indicates that this missense variant is expected to disrupt GAA protein function with a positive predictive value of 95%. This variant disrupts the p.Thr614 amino acid residue in GAA. Other variant(s) that disrupt this residue have been determined to be pathogenic (PMID: 21484825, 24513544, 24590251, 27708273). This suggests that this residue is clinically significant, and that variants that disrupt this residue are likely to be disease-causing. For these reasons, this variant has been classified as Pathogenic.

Mayo Clinic Laboratories, Mayo Clinic
Classification: Likely pathogenic. Last evaluated: 2025-10-17. Review status: criteria provided, single submitter. Criteria: ACMG Guidelines, 2015. Collection method: clinical testing. Allele origin: germline. Observed: 1 variant allele. Not counted in ClinVar's aggregate classification.
Comment: PP3, PP4_moderate, PM2_supporting, PM3, PM5

Natera, Inc.
Classification: Likely pathogenic for Glycogen storage disease type II. Last evaluated: 2025-10-14. Review status: criteria provided, single submitter. Criteria: Natera Variant Classification Schema (03/2026). Collection method: clinical testing. Allele origin: germline. Not counted in ClinVar's aggregate classification.
Comment: The c.1841C>T variant in GAA is a missense variant predicted to cause substitution of threonine to methionine at amino acid 614. This variant is rare in the general population with a frequency below the threshold expected for the associated phenotype(s). This variant has been observed in one or more individuals affected with the associated recessive disease, as either homozygous or compound heterozygous with a second variant (PMID: 33301762, 33250842, 33741225). A different variant at the same position has been determined to be Pathogenic or Likely Pathogenic. Computational prediction algorithms indicate this variant is likely to affect gene or protein function. Given the available evidence, this variant is classified as Likely Pathogenic.

Department of Human Genetics, Hannover Medical School
Classification: Likely pathogenic for Glycogen storage disease, type II. Last evaluated: 2025-02-24. Review status: criteria provided, single submitter. Criteria: ACMG Guidelines, 2015. Collection method: clinical testing. Allele origin: germline. Affected: yes. Not counted in ClinVar's aggregate classification.
Comment: ACMG: PM2_Supporting, PM3, PM5, PP3, PP4_Moderate

Myriad Genetics, Inc.
Classification: Likely pathogenic for Glycogen storage disease, type II. Last evaluated: 2025-01-02. Review status: criteria provided, single submitter. Criteria: Myriad Autosomal Dominant, Autosomal Recessive and X-Linked Classification Criteria (2023). Collection method: clinical testing. Allele origin: unknown. Not counted in ClinVar's aggregate classification.
Comment: NM_000152.3(GAA):c.1841C>T(T614M) is a missense variant classified as likely pathogenic in the context of Pompe disease. T614M has been observed in cases with relevant disease (PMID: 33741225, 33301762, 33250842). Relevant functional assessments of this variant are not available in the literature. T614M has been observed in referenced population frequency databases. In summary, NM_000152.3(GAA):c.1841C>T(T614M) is a missense variant that has been observed more frequently in cases with the relevant disease than in healthy populations. Please note: this variant was assessed in the context of healthy population screening.

GeneDx
Classification: Likely pathogenic. Last evaluated: 2024-12-30. Review status: criteria provided, single submitter. Criteria: GeneDx Variant Classification Process June 2021. Collection method: clinical testing. Allele origin: germline. Affected: yes. Not counted in ClinVar's aggregate classification.
Comment: In silico analysis indicates that this missense variant does not alter protein structure/function; Not observed at significant frequency in large population cohorts (gnomAD); This variant is associated with the following publications: (PMID: 33301762, 19343043, 22253258, 33250842, 38444573, 33741225, 38250073)

Revvity Omics, Revvity
Classification: Likely pathogenic. Last evaluated: 2024-07-19. Review status: criteria provided, single submitter. Criteria: ACMG Guidelines, 2015. Collection method: clinical testing. Allele origin: germline. Not counted in ClinVar's aggregate classification.

NM_000152.5(GAA):c.1841C>T (p.Thr614Met)

Gene: GAA (alpha glucosidase; plus strand). Cytogenetic location: 17q25.3.
Variant type: single nucleotide variant.
Coding change: c.1841C>T on transcript NM_000152.5 (MANE Select); coding-DNA position 1841, C replaced by T.
Protein change: p.Thr614Met; replaces threonine 614 with methionine.
Molecular consequence: missense variant.
Genome position (GRCh38, 1-based): chr17:80,112,664, C>T. VCF-style: chr17-80112664-C-T. GRCh37 (hg19) VCF-style: chr17-78086463-C-T.
Other names: NM_000152.5(GAA):c.1841C>T; c.1841C>T (LRG_673t1); c.1841C>T, p.Thr614Met (NM_001079803.3, NM_001079804.3); short protein forms T614M.
Identifiers: ClinVar variation 286469 (VCV000286469.37), dbSNP rs369531647, ClinGen allele CA8815496.